The following is an entry in ClinVar:

NM_016507.4(CDK12):c.820T>G (p.Ser274Ala)

Genes: CDK12 (cyclin dependent kinase 12; plus strand), LOC126862553 (CDK7 strongly-dependent group 2 enhancer GRCh37_chr17:37618166-37619365; plus strand). Cytogenetic location: 17q12.
Variant type: single nucleotide variant.
Coding change: c.820T>G on transcript NM_016507.4 (MANE Select); coding-DNA position 820, T replaced by G.
Protein change: p.Ser274Ala; replaces serine 274 with alanine.
Molecular consequence: missense variant.
Genome position (GRCh38, 1-based): chr17:39,462,891, T>G. VCF-style: chr17-39462891-T-G. GRCh37 (hg19) VCF-style: chr17-37619144-T-G.
Other names: c.820T>G, p.Ser274Ala (NM_015083.4); short protein forms S274A.
Identifiers: ClinVar variation 3830419 (VCV003830419.1).

ClinVar aggregate classification (germline): Uncertain significance (1 of 4 stars; one submission).

gnomAD v4.1: 2 of 1,614,058 alleles (0.00012%); highest among the groups gnomAD compares: Non-Finnish European, 0.00017%; no homozygotes.

Submission:

Ambry Genetics
Classification: Uncertain significance. Last evaluated: 2024-12-28. Review status: criteria provided, single submitter. Criteria: Ambry Variant Classification Scheme 2023. Collection method: clinical testing. Allele origin: germline.
Comment: The p.S274A variant (also known as c.820T>G), located in coding exon 1 of the CDK12 gene, results from a T to G substitution at nucleotide position 820. The serine at codon 274 is replaced by alanine, an amino acid with similar properties. This amino acid position is conserved. In addition, this alteration is predicted to be tolerated by in silico analysis. Based on the available evidence, the clinical significance of this variant remains unclear.